The following is an entry in ClinVar:

NM_015378.4(VPS13D):c.1018G>T (p.Asp340Tyr)

Gene: VPS13D (vacuolar protein sorting 13 homolog D; plus strand). Cytogenetic location: 1p36.22.
Variant type: single nucleotide variant.
Coding change: c.1018G>T on transcript NM_015378.4 (MANE Select); coding-DNA position 1018, G replaced by T.
Protein change: p.Asp340Tyr; replaces aspartic acid 340 with tyrosine.
Molecular consequence: missense variant.
Genome position (GRCh38, 1-based): chr1:12,258,011, G>T. VCF-style: chr1-12258011-G-T. GRCh37 (hg19) VCF-style: chr1-12318068-G-T.
Other names: c.1018G>T, p.Asp340Tyr (NM_018156.4); short protein forms D340Y.
Identifiers: ClinVar variation 1441394 (VCV001441394.3), dbSNP rs766446722, ClinGen allele CA601398.

ClinVar aggregate classification (germline): Uncertain significance (1 of 4 stars; one submission).

Allele frequency attached by ClinVar (database versions not stated): TOPMed below 0.00001; gnomAD 0.00003 and 0.00004; gnomAD exomes 0.00004; ExAC 0.00006.
gnomAD v4.1: 15 of 1,614,046 alleles (0.00093%); highest among the groups gnomAD compares: East Asian, 0.016%; no homozygotes.

Submission:

Labcorp Genetics (formerly Invitae), Labcorp
Classification: Uncertain significance. Last evaluated: 2022-07-06. Review status: criteria provided, single submitter. Criteria: Invitae Variant Classification Sherloc (09022015). Collection method: clinical testing. Allele origin: germline.
Comment: This sequence change replaces aspartic acid, which is acidic and polar, with tyrosine, which is neutral and polar, at codon 340 of the VPS13D protein (p.Asp340Tyr). This variant is present in population databases (rs766446722, gnomAD 0.05%). This variant has not been reported in the literature in individuals affected with VPS13D-related conditions. ClinVar contains an entry for this variant (Variation ID: 1441394). Algorithms developed to predict the effect of missense changes on protein structure and function are either unavailable or do not agree on the potential impact of this missense change (SIFT: "Deleterious"; PolyPhen-2: "Benign"; Align-GVGD: "Class C0"). Algorithms developed to predict the effect of sequence changes on RNA splicing suggest that this variant may create or strengthen a splice site. In summary, the available evidence is currently insufficient to determine the role of this variant in disease. Therefore, it has been classified as a Variant of Uncertain Significance.